The following is an entry in ClinVar:

ClinVar aggregate classification (germline): Pathogenic (1 of 4 stars; one submission).

Allele frequency attached by ClinVar (database versions not stated): gnomAD exomes 0.00001; TOPMed 0.00001.
gnomAD v4.1: 4 of 1,613,886 alleles (0.00025%); highest among the groups gnomAD compares: South Asian, 0.0011%; no homozygotes.

Submission:

Labcorp Genetics (formerly Invitae), Labcorp
Classification: Pathogenic. Last evaluated: 2023-06-27. Review status: criteria provided, single submitter. Criteria: Invitae Variant Classification Sherloc (09022015). Collection method: clinical testing. Allele origin: germline.
Comment: This sequence change creates a premature translational stop signal (p.Gln1150*) in the ABCB11 gene. It is expected to result in an absent or disrupted protein product. Loss-of-function variants in ABCB11 are known to be pathogenic (PMID: 18395098, 20232290). This variant is present in population databases (no rsID available, gnomAD 0.003%). This variant has not been reported in the literature in individuals affected with ABCB11-related conditions. Algorithms developed to predict the effect of sequence changes on RNA splicing suggest that this variant may create or strengthen a splice site. For these reasons, this variant has been classified as Pathogenic.

Literature cited by the submitters: PubMed 18395098; PubMed 20232290.

NM_003742.4(ABCB11):c.3448C>T (p.Gln1150Ter)

Gene: ABCB11 (ATP binding cassette subfamily B member 11; minus strand). Cytogenetic location: 2q31.1.
Variant type: single nucleotide variant.
Coding change: c.3448C>T on transcript NM_003742.4 (MANE Select); coding-DNA position 3448, C replaced by T.
Protein change: p.Gln1150Ter; replaces glutamine 1150 with a stop codon.
Molecular consequence: nonsense.
Genome position (GRCh38, 1-based): chr2:168,927,326, G>A on the plus strand (C>T on the coding strand, the complement: ABCB11 is on the minus strand). VCF-style: chr2-168927326-G-A. GRCh37 (hg19) VCF-style: chr2-169783836-G-A.
Other names: short protein forms Q1150*.
Identifiers: ClinVar variation 2846606 (VCV002846606.3), dbSNP rs1355492492, ClinGen allele CA349119899.